The following is an entry in ClinVar:

ClinVar aggregate classification (germline): Pathogenic (1 of 4 stars; one submission).

Submission:

Clinical Genomics Laboratory, Laboratory for Precision Diagnostics, University of Washington
Classification: Pathogenic. Last evaluated: 2023-09-13. Review status: criteria provided, single submitter. Criteria: ACMG/ClinGen CNV Guidelines, 2019. Collection method: clinical testing. Allele origin: unknown. Affected: yes. Observed: 1 variant allele.
Comment: This interstitial duplication is the recurrent microduplication of 16p11.2 (BP4-BP5) associated with the 16p11.2 duplication syndrome, which shows incomplete penetrance and variable clinical findings.

Literature cited by the submitters: PubMed 26629640; PubMed 32993859; PubMed 27207092; PubMed 27410714; PubMed 21881559.

GRCh38/hg38 16p11.2(chr16:29584162-30186830)x3

Genes: ALDOA (aldolase, fructose-bisphosphate A; plus strand), ASPHD1 (aspartate beta-hydroxylase domain containing 1; plus strand), C16orf54 (chromosome 16 open reading frame 54; minus strand), CDIPT (CDP-diacylglycerol--inositol 3-phosphatidyltransferase; minus strand), CDIPTOSP (CDIP transferase opposite strand, pseudogene; plus strand) and 103 more. Cytogenetic location: 16p11.2.
Variant type: copy number gain.
Change: copy number 3 (three copies instead of two) of chr16:29,584,162-30,186,830 (602.7 kb, GRCh38 coordinates, 1-based), cytogenetic band 16p11.2.
Identifiers: ClinVar variation 4890945 (VCV004890945.1).